The following is an entry in ClinVar:

ClinVar aggregate classification (germline): Uncertain significance (1 of 4 stars; one submission).

Conditions:
Hereditary cancer-predisposing syndrome. Also called: Hereditary neoplastic syndrome; Neoplastic Syndromes, Hereditary; Tumor predisposition; Hereditary Cancer Syndrome. Identifiers: Orphanet 140162, MedGen C0027672, MeSH D009386, MONDO:0015356.

Submission:

Ambry Genetics
Classification: Uncertain significance for Hereditary cancer-predisposing syndrome. Last evaluated: 2025-08-27. Review status: criteria provided, single submitter. Criteria: Ambry Variant Classification Scheme 2023. Collection method: clinical testing. Allele origin: germline.
Comment: The p.A231V variant (also known as c.692C>T), located in coding exon 9 of the MUTYH gene, results from a C to T substitution at nucleotide position 692. The alanine at codon 231 is replaced by valine, an amino acid with similar properties. This amino acid position is conserved. In addition, the in silico prediction for this alteration is inconclusive. Based on the available evidence, the clinical significance of this variant remains unclear.

NM_001048174.2(MUTYH):c.608C>T (p.Ala203Val)

Gene: MUTYH (mutY DNA glycosylase; minus strand). Cytogenetic location: 1p34.1.
Variant type: single nucleotide variant.
Coding change: c.608C>T on transcript NM_001048174.2 (MANE Select); coding-DNA position 608, C replaced by T.
Protein change: p.Ala203Val; replaces alanine 203 with valine.
Molecular consequence: missense variant. On other transcripts: non-coding transcript variant (7).
Genome position (GRCh38, 1-based): chr1:45,332,487, G>A on the plus strand (C>T on the coding strand, the complement: MUTYH is on the minus strand). VCF-style: chr1-45332487-G-A. GRCh37 (hg19) VCF-style: chr1-45798159-G-A.
Other names: c.608C>T, p.Ala203Val (NM_001048171.2, NM_001293195.2, NM_001407081.1 and 6 more transcripts); c.692C>T, p.Ala231Val (NM_001128425.2); c.653C>T, p.Ala218Val (NM_001293190.2); c.641C>T, p.Ala214Val (NM_001293191.2, NM_001407069.1, NM_001407077.1); c.332C>T, p.Ala111Val (NM_001293192.2, NM_001293196.2, NM_001407091.1); c.263C>T, p.Ala88Val (NM_001350650.2, NM_001350651.2, NM_001407082.1); c.650C>T, p.Ala217Val (NM_001407083.1, NM_001407085.1); c.611C>T, p.Ala204Val (NM_001407086.1, NM_001048172.2, NM_001407071.1 and 1 more transcripts); and 5 more; short protein forms A190V, A218V, A231V, A189V, A203V, A210V, A204V, A214V.
Identifiers: ClinVar variation 4113799 (VCV004113799.1).